The following is an entry in ClinVar:

ClinVar aggregate classification (germline): Conflicting classifications of pathogenicity. Review status: criteria provided, conflicting classifications (1 of 4 stars). 2 submissions from 2 submitters: Uncertain significance (1); Likely benign (1). Last evaluated 2025-02-19.

Conditions:
Inborn genetic diseases. Identifiers: MedGen C0950123, MeSH D030342.

Submissions (2):

Ambry Genetics
Classification: Likely benign for Inborn genetic diseases. Last evaluated: 2025-02-19. Review status: criteria provided, single submitter. Criteria: Ambry Variant Classification Scheme 2023. Collection method: clinical testing. Allele origin: germline.

Labcorp Genetics (formerly Invitae), Labcorp
Classification: Uncertain significance. Last evaluated: 2022-11-22. Review status: criteria provided, single submitter. Criteria: Invitae Variant Classification Sherloc (09022015). Collection method: clinical testing. Allele origin: germline.
Comment: In summary, the available evidence is currently insufficient to determine the role of this variant in disease. Therefore, it has been classified as a Variant of Uncertain Significance. Algorithms developed to predict the effect of missense changes on protein structure and function output the following: SIFT: "Tolerated"; PolyPhen-2: "Benign"; Align-GVGD: "Class C0". The valine amino acid residue is found in multiple mammalian species, which suggests that this missense change does not adversely affect protein function. ClinVar contains an entry for this variant (Variation ID: 1388670). This variant has not been reported in the literature in individuals affected with DNAJC21-related conditions. This variant is not present in population databases (gnomAD no frequency). This sequence change replaces isoleucine, which is neutral and non-polar, with valine, which is neutral and non-polar, at codon 441 of the DNAJC21 protein (p.Ile441Val).

NM_001012339.3(DNAJC21):c.1321A>G (p.Ile441Val)

Gene: DNAJC21 (DnaJ heat shock protein family (Hsp40) member C21; plus strand). Cytogenetic location: 5p13.2.
Variant type: single nucleotide variant.
Coding change: c.1321A>G on transcript NM_001012339.3 (MANE Select); coding-DNA position 1321, A replaced by G.
Protein change: p.Ile441Val; replaces isoleucine 441 with valine.
Molecular consequence: missense variant.
Genome position (GRCh38, 1-based): chr5:34,950,305, A>G. VCF-style: chr5-34950305-A-G. GRCh37 (hg19) VCF-style: chr5-34950410-A-G.
Other names: c.1360A>G, p.Ile454Val (NM_001348420.2); c.1456A>G, p.Ile486Val (NM_194283.4); c.1456A>G (NM_194283.3); short protein forms I441V, I454V, I486V.
Identifiers: ClinVar variation 1388670 (VCV001388670.7), dbSNP rs2112094320, ClinGen allele CA359423105.